The following is an entry in ClinVar:

NM_007294.4(BRCA1):c.5140G>T (p.Val1714Phe)

Gene: BRCA1 (BRCA1 DNA repair associated; minus strand). Cytogenetic location: 17q21.31.
Variant type: single nucleotide variant.
Coding change: c.5140G>T on transcript NM_007294.4 (MANE Select); coding-DNA position 5140, G replaced by T.
Protein change: p.Val1714Phe; replaces valine 1714 with phenylalanine.
Molecular consequence: missense variant. On other transcripts: non-coding transcript variant (1).
Genome position (GRCh38, 1-based): chr17:43,063,886, C>A on the plus strand (G>T on the coding strand, the complement: BRCA1 is on the minus strand). VCF-style: chr17-43063886-C-A. GRCh37 (hg19) VCF-style: chr17-41215903-C-A.
Other names: NM_007294.4(BRCA1):c.5140G>T; p.Val1714Phe; c.4927G>T, p.Val1643Phe (NM_001407571.1, NM_001407894.1, NM_001407895.1 and 12 more transcripts); c.5206G>T, p.Val1736Phe (NM_001407581.1, NM_001407582.1); c.5203G>T, p.Val1735Phe (NM_001407583.1, NM_001407585.1, NM_001407587.1 and 1 more transcripts); c.5200G>T, p.Val1734Phe (NM_001407590.1, NM_001407591.1); c.5140G>T, p.Val1714Phe (NM_001407593.1, NM_001407594.1, NM_001407684.1 and 7 more transcripts); c.5137G>T, p.Val1713Phe (NM_001407614.1, NM_001407615.1, NM_001407616.1 and 17 more transcripts); and 73 more; short protein forms V1714F, V1667F, V610F, V1735F, V1418F, V1625F, V1642F, V1647F.
Identifiers: ClinVar variation 631061 (VCV000631061.18), dbSNP rs1567769244, ClinGen allele CA10591261.

ClinVar aggregate classification (germline): Likely pathogenic. Review status: reviewed by expert panel (3 of 4 stars). 5 submissions from 5 submitters: Likely pathogenic (1). 4 of the submissions do not count toward it. Last evaluated 2025-05-23.

Conditions:
Hereditary breast ovarian cancer syndrome. Also called: Hereditary breast and ovarian cancer syndrome (HBOC); Hereditary breast and ovarian cancer; BRCA1- and BRCA2-Associated Hereditary Breast and Ovarian Cancer; Breast and ovarian cancer; Hereditary breast and ovarian cancer syndrome; Hereditary breast and/or ovarian cancer syndrome. Identifiers: Orphanet 145, MedGen C0677776, MeSH D061325, MONDO:0003582. Disease mechanism: loss of function.
Hereditary cancer-predisposing syndrome. Also called: Hereditary neoplastic syndrome; Tumor predisposition; Hereditary Cancer Syndrome; Neoplastic Syndromes, Hereditary. Identifiers: Orphanet 140162, MedGen C0027672, MeSH D009386, MONDO:0015356.
BRCA1-related cancer predisposition. Identifiers: MedGen CN377757, MONDO:0700268.

Submissions (6):

ClinGen ENIGMA BRCA1 and BRCA2 Variant Curation Expert Panel, ClinGen
Classification: Likely pathogenic for BRCA1-related cancer predisposition. Last evaluated: 2025-05-23. Review status: reviewed by expert panel. Criteria: CSpec BRCA1/2ACMG Rules Specifications V1.2. Collection method: curation. Allele origin: germline. Inheritance: Autosomal dominant inheritance.
Comment: The c.5140G>T variant in BRCA1 is a missense variant predicted to cause substitution of valine by phenylalanine at amino acid 1714 (p.(Val1714Phe)). This BRCA1 missense variant is within a key functional domain and the computational predictor BayesDel (noAF) gives a score of 0.50, above the recommended threshold of 0.28 for prediction of impact on BRCA1 function via protein change. A SpliceAI score of 0.00 predicts no impact on splicing (score threshold ≤0.1) (PP3 met). Reported by one calibrated study to exhibit protein function similar to pathogenic control variants (PMID: 30209399) (PS3 met). Cosegregation analysis of one family carrying this variant has a Bayes Score of 1.85 and provided no evidence (Internal lab contributor). This variant is absent from gnomAD v2.1 (exomes only, non-cancer subset, read depth ≥25) and gnomAD v3.1 (non-cancer subset, read depth ≥25) (PM2_Supporting). In summary, this variant meets the criteria to be classified as a Likely pathogenic variant for BRCA1-related cancer predisposition based on the ACMG/AMP criteria applied as specified by the ENIGMA BRCA1/2 VCEP (PP3, PS3, PM2_Supporting).

Ambry Genetics
Classification: Likely pathogenic for Hereditary cancer-predisposing syndrome. Last evaluated: 2025-04-22. Review status: criteria provided, single submitter. Criteria: Ambry Variant Classification Scheme 2023. Collection method: clinical testing. Allele origin: germline. Not counted in ClinVar's aggregate classification.
Comment: The p.V1714F variant (also known as c.5140G>T), located in coding exon 16 of the BRCA1 gene, results from a G to T substitution at nucleotide position 5140. The valine at codon 1714 is replaced by phenylalanine, an amino acid with highly similar properties. This alteration has been reported in 1/141 unrelated individuals diagnosed with breast and/or ovarian cancer (Mannan AU et al. J Hum Genet, 2016 Jun;61:515-22). One functional study found that this nucleotide substitution is non-functional in a high-throughput, genome editing, haploid cell survival assay (Findlay GM et al. Nature, 2018 10;562:217-222). This variant is considered to be rare based on population cohorts in the Genome Aggregation Database (gnomAD). This amino acid position is highly conserved in available vertebrate species. In addition, this alteration is predicted to be deleterious by in silico analysis. Based on the majority of available evidence to date, this variant is likely to be pathogenic.

Color Diagnostics, LLC DBA Color Health
Classification: Likely pathogenic for Hereditary cancer-predisposing syndrome. Last evaluated: 2024-06-07. Review status: criteria provided, single submitter. Criteria: ACMG Guidelines, 2015. Collection method: clinical testing. Allele origin: germline. Not counted in ClinVar's aggregate classification.
Comment: This missense variant replaces valine with phenylalanine at codon 1714 in the BRCT1 domain of the BRCA1 protein. Computational prediction suggests that this variant may have deleterious impact on protein structure and function. A functional study has shown that the variant causes the loss of BRCA1 protein function in a haploid cell proliferation assay (PMID: 30209399). This variant has been reported in individuals affected with familial breast and ovarian cancer (PMID: 26911350, 29470806, Color internal data) and has been observed to co-segregate with disease (Color internal data). This variant has not been identified in the general population by the Genome Aggregation Database (gnomAD). In addition, a different variant affecting the same codon position (p.Val1714Gly) is considered to be disease-causing (ClinVar variation ID: 55413), suggesting that valine at this position is important for protein structure and function. Based on the available evidence, this variant is classified as Likely Pathogenic.

Breast Center, Key Laboratory of Carcinogenesis and Translational Research
Classification: Likely pathogenic for Hereditary breast and ovarian cancer syndrome. Last evaluated: 2020-05-01. Review status: criteria provided, single submitter. Criteria: ACMG Guidelines, 2015. Collection method: clinical testing. Allele origin: germline. Observed: 1 variant allele. Not counted in ClinVar's aggregate classification.

GeneDx
Classification: Uncertain significance. Last evaluated: 2020-02-28. Review status: criteria provided, single submitter. Criteria: GeneDx Variant Classification Process June 2021. Collection method: clinical testing. Allele origin: germline. Affected: yes. Not counted in ClinVar's aggregate classification.
Comment: Observed in individuals with breast or ovarian cancer (Singh 2018); Published functional studies suggest a damaging effect: classified as non-functional based on results of a cell survival assay (Findlay 2018); Not observed in large population cohorts (Lek 2016); In silico analysis supports that this missense variant has a deleterious effect on protein structure/function; Also known as 5259G>T; This variant is associated with the following publications: (PMID: 29470806, 30209399)

Brotman Baty Institute, University of Washington
No classification provided (evidence only). Condition: Breast-ovarian cancer, familial 1. Review status: no classification provided. Collection method: in vitro. Allele origin: not applicable. Functional consequence: functionally_abnormal. Not counted in ClinVar's aggregate classification.
ClinVar note: "not provided" was previously submitted as the classification for the variant. However, the classification appeared to be based only on an observation of functional data so it was converted to no classification on 2025-07-30.

Literature cited by the submitters: PubMed 26911350 (cited by Ambry Genetics and Color Diagnostics, LLC DBA Color Health); PubMed 30209399 (cited by 3 submitters); PubMed 29470806 (cited by Color Diagnostics, LLC DBA Color Health).